The following is an entry in ClinVar:

ClinVar aggregate classification (germline): Uncertain significance. Review status: criteria provided, single submitter (1 of 4 stars). 2 submissions from 2 submitters: Uncertain significance (1). 1 of the submissions does not count toward it. Last evaluated 2022-04-30.

Conditions:
Neuronal ceroid lipofuscinosis 1 (CLN1). Also called: CEROID LIPOFUSCINOSIS, NEURONAL, 1, VARIABLE AGE AT ONSET; PPT1-Related Neuronal Ceroid-Lipofuscinosis. Identifiers: Orphanet 228329, MedGen C1850451, MONDO:0009744, OMIM 256730.

Submissions (2):

Labcorp Genetics (formerly Invitae), Labcorp
Classification: Uncertain significance for Neuronal ceroid lipofuscinosis 1. Last evaluated: 2022-04-30. Review status: criteria provided, single submitter. Criteria: Invitae Variant Classification Sherloc (09022015). Collection method: clinical testing. Allele origin: germline.
Comment: This sequence change replaces asparagine, which is neutral and polar, with aspartic acid, which is acidic and polar, at codon 89 of the PPT1 protein (p.Asn89Asp). This variant is not present in population databases (gnomAD no frequency). This variant has not been reported in the literature in individuals affected with PPT1-related conditions. ClinVar contains an entry for this variant (Variation ID: 862574). Advanced modeling of protein sequence and biophysical properties (such as structural, functional, and spatial information, amino acid conservation, physicochemical variation, residue mobility, and thermodynamic stability) performed at Invitae indicates that this missense variant is expected to disrupt PPT1 protein function. In summary, the available evidence is currently insufficient to determine the role of this variant in disease. Therefore, it has been classified as a Variant of Uncertain Significance.

Natera, Inc.
Classification: Uncertain significance for Neuronal ceroid lipofuscinosis 1. Last evaluated: 2020-08-26. Review status: no assertion criteria provided. Collection method: clinical testing. Allele origin: germline. Not counted in ClinVar's aggregate classification.

NM_000310.4(PPT1):c.265A>G (p.Asn89Asp)

Gene: PPT1 (palmitoyl-protein thioesterase 1; minus strand). Cytogenetic location: 1p34.2.
Variant type: single nucleotide variant.
Coding change: c.265A>G on transcript NM_000310.4 (MANE Select); coding-DNA position 265, A replaced by G.
Protein change: p.Asn89Asp; replaces asparagine 89 with aspartic acid.
Molecular consequence: missense variant. On other transcripts: intron variant (1).
Genome position (GRCh38, 1-based): chr1:40,092,142, T>C on the plus strand (A>G on the coding strand, the complement: PPT1 is on the minus strand). VCF-style: chr1-40092142-T-C. GRCh37 (hg19) VCF-style: chr1-40557814-T-C.
Other names: c.265A>G, p.Asn89Asp (NM_001363695.2); c.125-2630A>G (NM_001142604.2); short protein forms N89D.
Identifiers: ClinVar variation 862574 (VCV000862574.10), dbSNP rs1649599567, ClinGen allele CA339849271.
Genomic context (GRCh38, chr1:40,092,142, plus strand): 5'-AGCCTTGCTGCAATTTAGGATCCTTAGCAAGTGCCTGACACACTGTTGTTACTTGGGAAT[T>C]GACATTCAAGAAGAAGCTGTTCTCCACGTCCTAAAAAAGAAGCCAGAGAGAAGTGAGAGG-3'
Protein context (NP_000301.1, residues 79-99): DVENSFFLNV[Asn89Asp]SQVTTVCQAL